The following is an entry in ClinVar:

NM_001354640.2(CIROP):c.33GCC[3] (p.Pro13_Leu14insPro)

Gene: CIROP (ciliated left-right organizer metallopeptidase; minus strand). Cytogenetic location: 14q11.2.
Variant type: Microsatellite.
Coding change: c.33GCC[3] on transcript NM_001354640.2 (MANE Select); three copies in a row of the 3-base unit GCC starting at c.33; the reference has two copies in a row; one copy, 3 bases duplicated.
Protein change: p.Pro13_Leu14insPro.
Molecular consequence: inframe insertion.
Genome position (GRCh38, 1-based): chr14:23,104,883-23,104,885, GGC duplicated on the plus strand (GCC on the coding strand, the reverse complement: CIROP is on the minus strand); duplicating any 3 consecutive bases within chr14:23,104,883-23,104,888 gives the same sequence; the position shown is the placement nearest the transcript's 3' end. VCF-style (leftmost placement, unchanged base first): chr14-23104882-T-TGGC. GRCh37 (hg19) VCF-style: chr14-23574091-T-TGGC.
Other names: c.33GCC[3], p.Pro13_Leu14insPro (NM_001402427.1).
Identifiers: ClinVar variation 2644090 (VCV002644090.24), dbSNP rs751420164, ClinGen allele CA7111051.

ClinVar aggregate classification (germline): Likely benign (1 of 4 stars; one submission).

Submission:

CeGaT Center for Human Genetics Tuebingen
Classification: Likely benign. Last evaluated: 2023-07-01. Review status: criteria provided, single submitter. Criteria: CeGaT Center For Human Genetics Tuebingen Variant Classification Criteria Version 2. Collection method: clinical testing. Allele origin: germline. Affected: yes. Observed: 1 variant allele.
Comment: CIROP: BS2